The following is an entry in ClinVar:

NM_001040108.2(MLH3):c.3400A>G (p.Ser1134Gly)

Gene: MLH3 (mutL homolog 3; minus strand). Cytogenetic location: 14q24.3.
Variant type: single nucleotide variant.
Coding change: c.3400A>G on transcript NM_001040108.2 (MANE Select); coding-DNA position 3400, A replaced by G.
Protein change: p.Ser1134Gly; replaces serine 1134 with glycine.
Molecular consequence: missense variant.
Genome position (GRCh38, 1-based): chr14:75,041,680, T>C on the plus strand (A>G on the coding strand, the complement: MLH3 is on the minus strand). VCF-style: chr14-75041680-T-C. GRCh37 (hg19) VCF-style: chr14-75508383-T-C.
Other names: c.3400A>G, p.Ser1134Gly (NM_014381.3); short protein forms S1134G.
Identifiers: ClinVar variation 2819715 (VCV002819715.4), dbSNP rs2139495087, ClinGen allele CA390431041.

ClinVar aggregate classification (germline): Conflicting classifications of pathogenicity. Review status: criteria provided, conflicting classifications (1 of 4 stars). 2 submissions from 2 submitters: Uncertain significance (1); Likely benign (1). Last evaluated 2025-01-27.

Conditions:
Colorectal cancer, hereditary nonpolyposis, type 7. Identifiers: Orphanet 144, MedGen C1858380, MONDO:0013725, OMIM 614385.

Submissions (2):

Ambry Genetics
Classification: Likely benign. Last evaluated: 2025-01-27. Review status: criteria provided, single submitter. Criteria: Ambry Variant Classification Scheme 2023. Collection method: clinical testing. Allele origin: germline.

Labcorp Genetics (formerly Invitae), Labcorp
Classification: Uncertain significance for Colorectal cancer, hereditary nonpolyposis, type 7. Last evaluated: 2024-04-22. Review status: criteria provided, single submitter. Criteria: Invitae Variant Classification Sherloc (09022015). Collection method: clinical testing. Allele origin: germline.
Comment: This sequence change replaces serine, which is neutral and polar, with glycine, which is neutral and non-polar, at codon 1134 of the MLH3 protein (p.Ser1134Gly). This variant is not present in population databases (gnomAD no frequency). This variant has not been reported in the literature in individuals affected with MLH3-related conditions. Algorithms developed to predict the effect of missense changes on protein structure and function output the following: SIFT: "Not Available"; PolyPhen-2: "Benign"; Align-GVGD: "Not Available". The glycine amino acid residue is found in multiple mammalian species, which suggests that this missense change does not adversely affect protein function. In summary, the available evidence is currently insufficient to determine the role of this variant in disease. Therefore, it has been classified as a Variant of Uncertain Significance.